The following is an entry in ClinVar:

ClinVar aggregate classification (germline): Uncertain significance (1 of 4 stars; one submission).

Submission:

Labcorp Genetics (formerly Invitae), Labcorp
Classification: Uncertain significance. Last evaluated: 2025-05-14. Review status: criteria provided, single submitter. Criteria: Invitae Variant Classification Sherloc (09022015). Collection method: clinical testing. Allele origin: germline.
Comment: This variant, c.23_31del, results in the deletion of 3 amino acid(s) of the PCLO protein (p.Glu8_Glu10del), but otherwise preserves the integrity of the reading frame. This variant is present in population databases (rs752593107, gnomAD 0.02%). This variant has not been reported in the literature in individuals affected with PCLO-related conditions. Experimental studies and prediction algorithms are not available or were not evaluated, and the functional significance of this variant is currently unknown. In summary, the available evidence is currently insufficient to determine the role of this variant in disease. Therefore, it has been classified as a Variant of Uncertain Significance.

NM_033026.6(PCLO):c.23_31del (p.Glu8_Glu10del)

Genes: PCLO (piccolo presynaptic cytomatrix protein; minus strand), LOC129998728 (ATAC-STARR-seq lymphoblastoid silent region 18336; plus strand). Cytogenetic location: 7q21.11.
Variant type: Deletion.
Coding change: c.23_31del on transcript NM_033026.6 (MANE Select); coding-DNA positions 23 to 31, 9 bases deleted (AAGGGGAAG; older notation c.23_31delAAGGGGAAG).
Protein change: p.Glu8_Glu10del.
Genome position (GRCh38, 1-based): chr7:83,162,562-83,162,570, CTTCCCCTT deleted on the plus strand (AAGGGGAAG on the coding strand, the reverse complement: PCLO is on the minus strand); deleting any 9 consecutive bases within chr7:83,162,562-83,162,571 gives the same sequence; the c. name uses the placement nearest the transcript's 3' end. VCF-style (leftmost placement, unchanged base first): chr7-83162561-CCTTCCCCTT-C. GRCh37 (hg19) VCF-style: chr7-82791877-CCTTCCCCTT-C.
Other names: c.23_31del, p.Glu8_Glu10del (NM_014510.3).
Identifiers: ClinVar variation 4768106 (VCV004768106.1).